The following is an entry in ClinVar:

NM_000179.3(MSH6):c.542A>G (p.Glu181Gly)

Gene: MSH6 (mutS homolog 6; plus strand). Cytogenetic location: 2p16.3.
Variant type: single nucleotide variant.
Coding change: c.542A>G on transcript NM_000179.3 (MANE Select); coding-DNA position 542, A replaced by G.
Protein change: p.Glu181Gly; replaces glutamic acid 181 with glycine.
Molecular consequence: missense variant. On other transcripts: 5 prime UTR variant (1), intron variant (2).
Genome position (GRCh38, 1-based): chr2:47,795,978, A>G. VCF-style: chr2-47795978-A-G. GRCh37 (hg19) VCF-style: chr2-48023117-A-G.
Other names: c.-361A>G (NM_001281494.2); c.638A>G, p.Glu213Gly (NM_001406795.1, NM_001406802.1); c.542A>G, p.Glu181Gly (NM_001406796.1, NM_001406798.1, NM_001406800.1 and 5 more transcripts); c.245A>G, p.Glu82Gly (NM_001406797.1, NM_001406801.1, NM_001406805.1 and 10 more transcripts); c.17A>G, p.Glu6Gly (NM_001406799.1, NM_001406806.1, NM_001406807.1); c.464A>G, p.Glu155Gly (NM_001406804.1); c.548A>G, p.Glu183Gly (NM_001406813.1); c.-453A>G (NM_001406814.1); and 3 more; short protein forms E125G, E181G, E213G, E82G, E155G, E6G, E183G.
Identifiers: ClinVar variation 1747486 (VCV001747486.2), dbSNP rs1558656620, ClinGen allele CA346738727.
Genomic context (GRCh38, chr2:47,795,978, plus strand): 5'-AGGGAGGTCATTTTTACAGTGCAAAGCCTGAAATACTGAGAGCAATGCAACGTGCAGATG[A>G]AGCCTTAAATAAAGACAAGATTAAGAGGCTTGAATTGGCAGTTTGTGATGAGCCCTCAGA-3'
Protein context (NP_000170.1, residues 171-191): EILRAMQRAD[Glu181Gly]ALNKDKIKRL

ClinVar aggregate classification (germline): Uncertain significance (1 of 4 stars; one submission).

Conditions:
Hereditary cancer-predisposing syndrome. Also called: Hereditary Cancer Syndrome; Neoplastic Syndromes, Hereditary; Tumor predisposition; Hereditary neoplastic syndrome. Identifiers: Orphanet 140162, MedGen C0027672, MeSH D009386, MONDO:0015356.

Submission:

Ambry Genetics
Classification: Uncertain significance for Hereditary cancer-predisposing syndrome. Last evaluated: 2020-07-29. Review status: criteria provided, single submitter. Criteria: Ambry Variant Classification Scheme 2023. Collection method: clinical testing. Allele origin: germline.
Comment: The p.E181G variant (also known as c.542A>G), located in coding exon 3 of the MSH6 gene, results from an A to G substitution at nucleotide position 542. The glutamic acid at codon 181 is replaced by glycine, an amino acid with similar properties. This amino acid position is not well conserved in available vertebrate species. In addition, this alteration is predicted to be tolerated by in silico analysis. Since supporting evidence is limited at this time, the clinical significance of this alteration remains unclear.